The following is an entry in ClinVar:

ClinVar aggregate classification (germline): Benign. Review status: criteria provided, multiple submitters, no conflicts (2 of 4 stars). 2 submissions from 2 submitters: Benign (2). Last evaluated 2018-06-16.

Allele frequency attached by ClinVar (database versions not stated): gnomAD exomes 0.00239; gnomAD 0.01810 and 0.01937; TOPMed 0.02059; 1000 Genomes Project 0.02157; 1000 Genomes Project 30x 0.02374.
gnomAD v4.1: 5,694 of 1,307,364 alleles (0.44%); highest among the groups gnomAD compares: African/African-American, 6.5%; 166 homozygotes.

Submissions (2):

GeneDx
Classification: Benign. Last evaluated: 2018-06-16. Review status: criteria provided, single submitter. Criteria: GeneDx Variant Classification (06012015). Collection method: clinical testing. Allele origin: germline. Affected: yes.
Comment: This variant is considered likely benign or benign based on one or more of the following criteria: it is a conservative change, it occurs at a poorly conserved position in the protein, it is predicted to be benign by multiple in silico algorithms, and/or has population frequency not consistent with disease.

Breakthrough Genomics
Classification: Benign. Review status: criteria provided, single submitter. Criteria: ACMG Guidelines, 2015. Collection method: not provided. Allele origin: germline. Inheritance: Autosomal dominant inheritance. Affected: yes.

NM_006258.4(PRKG1):c.936-70T>C

Gene: PRKG1 (protein kinase cGMP-dependent 1; plus strand). Cytogenetic location: 10q21.1.
Variant type: single nucleotide variant.
Coding change: c.936-70T>C on transcript NM_006258.4 (MANE Select); 70 bases into the intron before coding-DNA position 936, T replaced by C.
Molecular consequence: intron variant.
Genome position (GRCh38, 1-based): chr10:52,133,770, T>C. VCF-style: chr10-52133770-T-C. GRCh37 (hg19) VCF-style: chr10-53893530-T-C.
Other names: c.891-70T>C (NM_001098512.3).
Identifiers: ClinVar variation 678631 (VCV000678631.2), dbSNP rs115286711, ClinGen allele CA207385026.